The following is an entry in ClinVar:

ClinVar aggregate classification (germline): Uncertain significance (1 of 4 stars; one submission).

Conditions:
Arrhythmogenic right ventricular dysplasia 8 (ARVD8). Also called: Arrhythmogenic Right Ventricular Dysplasia/Cardiomyopathy 8; ARRHYTHMOGENIC RIGHT VENTRICULAR DYSPLASIA, FAMILIAL, 8; ARRHYTHMOGENIC RIGHT VENTRICULAR CARDIOMYOPATHY 8. Identifiers: MedGen C1843896, MONDO:0011831, OMIM 607450.
Arrhythmogenic cardiomyopathy with wooly hair and keratoderma. Also called: PALMOPLANTAR KERATODERMA WITH LEFT VENTRICULAR CARDIOMYOPATHY AND WOOLLY HAIR; Dilated cardiomyopathy with woolly hair and keratoderma; Arrhythmogenic cardiomyopathy with woolly hair and keratoderma; Carvajal syndrome. Identifiers: Orphanet 65282, MedGen C1854063, MONDO:0011581, OMIM 605676.

gnomAD v4.1: 8 of 1,608,354 alleles (0.0005%); highest among the groups gnomAD compares: Non-Finnish European, 0.00068%; no homozygotes.

Submission:

Labcorp Genetics (formerly Invitae), Labcorp
Classification: Uncertain significance for Arrhythmogenic cardiomyopathy with wooly hair and keratoderma; Arrhythmogenic right ventricular dysplasia 8. Last evaluated: 2025-12-08. Review status: criteria provided, single submitter. Criteria: Invitae Variant Classification Sherloc (09022015). Collection method: clinical testing. Allele origin: germline.
Comment: This sequence change replaces proline, which is neutral and non-polar, with serine, which is neutral and polar, at codon 9 of the DSP protein (p.Pro9Ser). The frequency data for this variant in the population databases is considered unreliable, as metrics indicate poor data quality at this position in the gnomAD database. This variant has not been reported in the literature in individuals affected with DSP-related conditions. An algorithm developed to predict the effect of missense changes on protein structure and function outputs the following: PolyPhen-2: "Benign". The serine amino acid residue is found in multiple mammalian species, which suggests that this missense change does not adversely affect protein function. In summary, the available evidence is currently insufficient to determine the role of this variant in disease. Therefore, it has been classified as a Variant of Uncertain Significance.

NM_004415.4(DSP):c.25C>T (p.Pro9Ser)

Genes: DSP-AS1 (DSP antisense RNA 1; minus strand), DSP (desmoplakin; plus strand). Cytogenetic location: 6p24.3.
Variant type: single nucleotide variant.
Coding change: c.25C>T on transcript NM_004415.4 (MANE Select); coding-DNA position 25, C replaced by T.
Protein change: p.Pro9Ser; replaces proline 9 with serine.
Molecular consequence: missense variant.
Genome position (GRCh38, 1-based): chr6:7,541,940, C>T. VCF-style: chr6-7541940-C-T. GRCh37 (hg19) VCF-style: chr6-7542173-C-T.
Other names: c.25C>T, p.Pro9Ser (NM_001008844.3, NM_001319034.2, NM_001406591.1); short protein forms P9S.
Identifiers: ClinVar variation 4793404 (VCV004793404.1).